The following is an entry in ClinVar:

NM_001010940.3(CFAP95):c.471A>C (p.Ser157=)

Gene: CFAP95 (cilia and flagella associated protein 95; plus strand). Cytogenetic location: 9q21.12.
Variant type: single nucleotide variant.
Coding change: c.471A>C on transcript NM_001010940.3 (MANE Select); coding-DNA position 471, A replaced by C.
Protein change: p.Ser157=; no amino-acid change (serine 157 retained).
Molecular consequence: synonymous variant. On other transcripts: non-coding transcript variant (1), intron variant (1).
Genome position (GRCh38, 1-based): chr9:69,886,859, A>C. VCF-style: chr9-69886859-A-C. GRCh37 (hg19) VCF-style: chr9-72501775-A-C.
Other names: c.174A>C, p.Ser58= (NM_001308085.2, NM_001308086.2); c.450-19095A>C (NM_001308084.2).
Identifiers: ClinVar variation 2659245 (VCV002659245.24), dbSNP rs138837310, ClinGen allele CA5075880.
Genomic context (GRCh38, chr9:69,886,859, plus strand): 5'-TTTGAAGTCATTCTTTCCTCATTGACTTATCCCTCTTAGGTGTGCATTGACAACGTACTC[A>C]GAAGATTATGTTCCACCATATGATTATCAGCCACATGTGAGTACAAGAACCGTAGTCTTC-3'
Protein context (NP_001010940.1, residues 147-167): WSKMCALTTY[Ser157=]EDYVPPYDYQ

ClinVar aggregate classification (germline): Likely benign (1 of 4 stars; one submission).

Allele frequency attached by ClinVar (database versions not stated): 1000 Genomes Project 30x 0.00031; 1000 Genomes Project 0.00040; TOPMed 0.00295; ESP Exome Variant Server 0.00400; gnomAD 0.00400; gnomAD exomes 0.00488; ExAC 0.00733.
gnomAD v4.1: 7,664 of 1,613,336 alleles (0.48%); highest among the groups gnomAD compares: Non-Finnish European, 0.55%; 34 homozygotes.

Submission:

CeGaT Center for Human Genetics Tuebingen
Classification: Likely benign. Last evaluated: 2022-10-01. Review status: criteria provided, single submitter. Criteria: CeGaT Center For Human Genetics Tuebingen Variant Classification Criteria Version 2. Collection method: clinical testing. Allele origin: germline. Affected: yes. Observed: 1 variant allele.
Comment: CFAP95: BP4, BP7